The following is an entry in ClinVar:

NM_177550.5(SLC13A5):c.1483_1491del (p.Thr495_Ser497del)

Gene: SLC13A5 (solute carrier family 13 member 5; minus strand). Cytogenetic location: 17p13.1.
Variant type: Deletion.
Coding change: c.1483_1491del on transcript NM_177550.5 (MANE Select); coding-DNA positions 1483 to 1491, 9 bases deleted (ACCCTGAGT; older notation c.1483_1491delACCCTGAGT).
Protein change: p.Thr495_Ser497del.
Molecular consequence: inframe deletion. On other transcripts: intron variant (1).
Genome position (GRCh38, 1-based): chr17:6,687,613-6,687,621, ACTCAGGGT deleted on the plus strand (ACCCTGAGT on the coding strand, the reverse complement: SLC13A5 is on the minus strand); deleting any 9 consecutive bases within chr17:6,687,613-6,687,623 gives the same sequence; the c. name uses the placement nearest the transcript's 3' end. VCF-style (leftmost placement, unchanged base first): chr17-6687612-CACTCAGGGT-C. GRCh37 (hg19) VCF-style: chr17-6590931-CACTCAGGGT-C.
Other names: c.1432_1440del, p.Thr478_Ser480del (NM_001284509.2); c.1354_1362del, p.Thr452_Ser454del (NM_001284510.2); c.1438-1283_1438-1275del (NM_001143838.3); c.1483_1491delACCCTGAGT (NM_177550.4).
Identifiers: ClinVar variation 664190 (VCV000664190.9), dbSNP rs1255190713, ClinGen allele CA624673746.
Genomic context (GRCh38, chr17:6,687,612, plus strand): 5'-CATAGGTGAACACGATGGCATTTGGAGGGGTGGCCACAGGCAACATGAAGGCAAAGGAGG[CACTCAGGGT>C]ACAGGGCAGCATGATGTACAGCGGATTGAGGCCGATGGAGCGAGACTGCGGAAAAACAGC-3'

ClinVar aggregate classification (germline): Uncertain significance (1 of 4 stars; one submission).

Conditions:
Developmental and epileptic encephalopathy, 25 (DEE25). Also called: Epileptic encephalopathy, early infantile, 25; Developmental and epileptic encephalopathy 25, with amelogenesis imperfecta; Epileptic encephalopathy, early infantile, 25, with amelogenesis imperfecta. Identifiers: Orphanet 442835, MedGen C4014621, MONDO:0014392, OMIM 615905.

Submission:

Labcorp Genetics (formerly Invitae), Labcorp
Classification: Uncertain significance for Developmental and epileptic encephalopathy, 25. Last evaluated: 2018-09-05. Review status: criteria provided, single submitter. Criteria: Invitae Variant Classification Sherloc (09022015). Collection method: clinical testing. Allele origin: germline.
Comment: This variant, c.1483_1491delACCCTGAGT, results in the deletion of 3 amino acid(s) of the SLC13A5 protein (p.Thr495_Ser497del), but otherwise preserves the integrity of the reading frame. This variant is not present in population databases (ExAC no frequency). This variant has not been reported in the literature in individuals with SLC13A5-related disease. Experimental studies and prediction algorithms are not available for this variant, and the functional significance of the affected amino acids is currently unknown. In summary, the available evidence is currently insufficient to determine the role of this variant in disease. Therefore, it has been classified as a Variant of Uncertain Significance.